The following is an entry in ClinVar:

NM_004006.3(DMD):c.1858C>A (p.Leu620Met)

Gene: DMD (dystrophin; minus strand). Cytogenetic location: Xp21.1.
Variant type: single nucleotide variant.
Coding change: c.1858C>A on transcript NM_004006.3 (MANE Select); coding-DNA position 1858, C replaced by A.
Protein change: p.Leu620Met; replaces leucine 620 with methionine.
Molecular consequence: missense variant.
Genome position (GRCh38, 1-based): chrX:32,565,836, G>T on the plus strand (C>A on the coding strand, the complement: DMD is on the minus strand). VCF-style: chrX-32565836-G-T. GRCh37 (hg19) VCF-style: chrX-32583953-G-T.
Other names: c.1834C>A, p.Leu612Met (NM_000109.4); c.1846C>A, p.Leu616Met (NM_004009.3); c.1489C>A, p.Leu497Met (NM_004010.3); short protein forms L497M, L612M, L616M, L620M.
Identifiers: ClinVar variation 2813073 (VCV002813073.3), dbSNP rs748742382, ClinGen allele CA412672873.

ClinVar aggregate classification (germline): Uncertain significance (1 of 4 stars; one submission).

Conditions:
Duchenne muscular dystrophy (DMD). Also called: MUSCULAR DYSTROPHY, PSEUDOHYPERTROPHIC PROGRESSIVE, DUCHENNE TYPE; Duchenne Muscular Dystrophy (DMD). Identifiers: Orphanet 98896, MedGen C0013264, MONDO:0010679, OMIM 310200.

Submission:

Labcorp Genetics (formerly Invitae), Labcorp
Classification: Uncertain significance for Duchenne muscular dystrophy. Last evaluated: 2022-11-09. Review status: criteria provided, single submitter. Criteria: Invitae Variant Classification Sherloc (09022015). Collection method: clinical testing. Allele origin: germline.
Comment: Advanced modeling of protein sequence and biophysical properties (such as structural, functional, and spatial information, amino acid conservation, physicochemical variation, residue mobility, and thermodynamic stability) performed at Invitae indicates that this missense variant is not expected to disrupt DMD protein function. In summary, the available evidence is currently insufficient to determine the role of this variant in disease. Therefore, it has been classified as a Variant of Uncertain Significance. This variant has not been reported in the literature in individuals affected with DMD-related conditions. This variant is not present in population databases (gnomAD no frequency). This sequence change replaces leucine, which is neutral and non-polar, with methionine, which is neutral and non-polar, at codon 620 of the DMD protein (p.Leu620Met).